The following is an entry in ClinVar:

ClinVar aggregate classification (germline): Uncertain significance (1 of 4 stars; one submission).

Allele frequency attached by ClinVar (database versions not stated): TOPMed below 0.00001.

Submission:

Labcorp Genetics (formerly Invitae), Labcorp
Classification: Uncertain significance. Last evaluated: 2022-06-01. Review status: criteria provided, single submitter. Criteria: Invitae Variant Classification Sherloc (09022015). Collection method: clinical testing. Allele origin: germline.
Comment: In summary, the available evidence is currently insufficient to determine the role of this variant in disease. Therefore, it has been classified as a Variant of Uncertain Significance. Algorithms developed to predict the effect of missense changes on protein structure and function (SIFT, PolyPhen-2, Align-GVGD) all suggest that this variant is likely to be tolerated. ClinVar contains an entry for this variant (Variation ID: 1462501). This variant has not been reported in the literature in individuals affected with SLC25A21-related conditions. This variant is not present in population databases (gnomAD no frequency). This sequence change replaces tyrosine, which is neutral and polar, with phenylalanine, which is neutral and non-polar, at codon 153 of the SLC25A21 protein (p.Tyr153Phe).

NM_030631.4(SLC25A21):c.458A>T (p.Tyr153Phe)

Gene: SLC25A21 (solute carrier family 25 member 21; minus strand). Cytogenetic location: 14q13.3.
Variant type: single nucleotide variant.
Coding change: c.458A>T on transcript NM_030631.4 (MANE Select); coding-DNA position 458, A replaced by T.
Protein change: p.Tyr153Phe; replaces tyrosine 153 with phenylalanine.
Molecular consequence: missense variant.
Genome position (GRCh38, 1-based): chr14:36,711,463, T>A on the plus strand (A>T on the coding strand, the complement: SLC25A21 is on the minus strand). VCF-style: chr14-36711463-T-A. GRCh37 (hg19) VCF-style: chr14-37180668-T-A.
Other names: c.458A>T, p.Tyr153Phe (NM_001171170.2); short protein forms Y153F.
Identifiers: ClinVar variation 1462501 (VCV001462501.6), dbSNP rs1883866125, ClinGen allele CA389465838.